The following is an entry in ClinVar:

ClinVar aggregate classification (germline): Uncertain significance (1 of 4 stars; one submission).

Allele frequency attached by ClinVar (database versions not stated): gnomAD exomes below 0.00001.
gnomAD v4.1: 2 of 1,206,467 alleles (0.00017%); highest among the groups gnomAD compares: Non-Finnish European, 0.00022%; no homozygotes.

Submission:

GeneDx
Classification: Uncertain significance. Last evaluated: 2019-08-06. Review status: criteria provided, single submitter. Criteria: GeneDx Variant Classification Process June 2021. Collection method: clinical testing. Allele origin: germline. Affected: yes.
Comment: Not observed in large population cohorts (Lek et al., 2016); In silico analysis, which includes protein predictors and evolutionary conservation, supports that this variant does not alter protein structure/function; Has not been previously published as pathogenic or benign to our knowledge

NM_001039591.3(USP9X):c.848C>T (p.Pro283Leu)

Gene: USP9X (ubiquitin specific peptidase 9 X-linked; plus strand). Cytogenetic location: Xp11.4.
Variant type: single nucleotide variant.
Coding change: c.848C>T on transcript NM_001039591.3 (MANE Select); coding-DNA position 848, C replaced by T.
Protein change: p.Pro283Leu; replaces proline 283 with leucine.
Molecular consequence: missense variant.
Genome position (GRCh38, 1-based): chrX:41,141,043, C>T. VCF-style: chrX-41141043-C-T. GRCh37 (hg19) VCF-style: chrX-41000296-C-T.
Other names: c.848C>T, p.Pro283Leu (NM_001039590.3); short protein forms P283L.
Identifiers: ClinVar variation 1307560 (VCV001307560.2), dbSNP rs2147048137, ClinGen allele CA412766663.